The following is an entry in ClinVar:

NM_001267550.2(TTN):c.53696T>C (p.Ile17899Thr)

Genes: TTN (titin; minus strand), TTN-AS1 (TTN antisense RNA 1; plus strand). Cytogenetic location: 2q31.2.
Variant type: single nucleotide variant.
Coding change: c.53696T>C on transcript NM_001267550.2 (MANE Select); coding-DNA position 53696, T replaced by C.
Protein change: p.Ile17899Thr; replaces isoleucine 17899 with threonine.
Molecular consequence: missense variant.
Genome position (GRCh38, 1-based): chr2:178,605,599, A>G on the plus strand (T>C on the coding strand, the complement: TTN is on the minus strand). VCF-style: chr2-178605599-A-G. GRCh37 (hg19) VCF-style: chr2-179470326-A-G.
Other names: c.48773T>C, p.Ile16258Thr (NM_001256850.1); c.26501T>C, p.Ile8834Thr (NM_003319.4); c.26876T>C, p.Ile8959Thr (NM_133432.3); c.27077T>C, p.Ile9026Thr (NM_133437.4); c.45992T>C, p.Ile15331Thr (NM_133378.4); short protein forms I15331T, I17899T, I16258T, I8834T, I8959T, I9026T.
Identifiers: ClinVar variation 165984 (VCV000165984.7), dbSNP rs369723141, ClinGen allele CA178756.

ClinVar aggregate classification (germline): Uncertain significance. Review status: criteria provided, single submitter (1 of 4 stars). 2 submissions from 2 submitters: Uncertain significance (1). 1 of the submissions does not count toward it. Last evaluated 2014-11-12.

Conditions:
TTN-related disorder. Also called: TTN-related disorders; TTN-related condition; TTN-related disease.

Allele frequency attached by ClinVar (database versions not stated): gnomAD exomes below 0.00001; TOPMed below 0.00001.
gnomAD v4.1: 1 of 1,612,356 alleles (0.000062%); highest among the groups gnomAD compares: Non-Finnish European, 0.000085%; no homozygotes.

Submissions (2):

Laboratory for Molecular Medicine, Mass General Brigham Personalized Medicine
Classification: Uncertain significance. Last evaluated: 2014-11-12. Review status: criteria provided, single submitter. Criteria: LMM Criteria. Collection method: clinical testing. Allele origin: germline. Observed: 4 variant alleles.
Comment: The p.Ile15331Thr variant in TTN has not been previously reported in individuals with cardiomyopathy or in large population studies. This variant is in listed i n dbSNP without frequency data (rs369723141). Computational prediction tools and conservation analysis do not provide strong support for or against an impact to the protein. In summary, the clinical significance of the p.Ile15331Thr variant is uncertain.

PreventionGenetics, part of Exact Sciences
Classification: Uncertain significance for TTN-related condition. Last evaluated: 2024-02-26. Review status: no assertion criteria provided. Collection method: clinical testing. Allele origin: germline. Not counted in ClinVar's aggregate classification.
Comment: The TTN c.53696T>C variant is predicted to result in the amino acid substitution p.Ile17899Thr. To our knowledge, this variant has not been reported in the literature or in a large population database, indicating this variant is rare. At this time, the clinical significance of this variant is uncertain due to the absence of conclusive functional and genetic evidence.